The following is an entry in ClinVar:

NM_024426.6(WT1):c.343C>T (p.Pro115Ser)

Genes: WT1 (WT1 transcription factor; minus strand), LOC107982234 (WT1/WT1-AS bi-directional promoter region; plus strand). Cytogenetic location: 11p13.
Variant type: single nucleotide variant.
Coding change: c.343C>T on transcript NM_024426.6 (MANE Select); coding-DNA position 343, C replaced by T.
Protein change: p.Pro115Ser; replaces proline 115 with serine.
Molecular consequence: missense variant. On other transcripts: non-coding transcript variant (1).
Genome position (GRCh38, 1-based): chr11:32,435,018, G>A on the plus strand (C>T on the coding strand, the complement: WT1 is on the minus strand). VCF-style: chr11-32435018-G-A. GRCh37 (hg19) VCF-style: chr11-32456564-G-A.
Other names: c.343C>T, p.Pro115Ser (NM_000378.6, NM_024424.5); short protein forms P115S.
Identifiers: ClinVar variation 406698 (VCV000406698.18), dbSNP rs916583720, ClinGen allele CA16613338.

ClinVar aggregate classification (germline): Conflicting classifications of pathogenicity. Review status: criteria provided, conflicting classifications (1 of 4 stars). 7 submissions from 7 submitters: Uncertain significance (6); Likely benign (1). Last evaluated 2026-08-14.

Conditions:
WT1-related disorder. Also called: WT1-related disorders. Identifiers: MedGen CN377814.
11p partial monosomy syndrome (WAGR). Also called: WAGR Spectrum Disorder; WAGR Complex; CHROMOSOME 11p13 DELETION SYNDROME; WAGR syndrome. Identifiers: Orphanet 893, MedGen C0206115, MONDO:0008681, OMIM 194072.
Wilms tumor 1 (WT1). Also called: Wilms tumor, somatic. Identifiers: Orphanet 654, MedGen CN033288, MONDO:0008679, OMIM 194070.
Frasier syndrome. Identifiers: Orphanet 347, MedGen C0950122, MeSH D052159, MONDO:0007635, OMIM 136680.
Drash syndrome (DDS). Also called: NEPHROPATHY, WILMS TUMOR, AND GENITAL ANOMALIES; WILMS TUMOR AND PSEUDO- OR TRUE HERMAPHRODITISM. Identifiers: Orphanet 220, MedGen C0950121, MONDO:0008682, OMIM 194080.
Inborn genetic diseases. Identifiers: MedGen C0950123, MeSH D030342.
Meacham syndrome. Also called: Meacham Winn Culler syndrome. Identifiers: Orphanet 3097, MedGen C1837026, MONDO:0012164, OMIM 608978.
Nephrotic syndrome, type 4 (NPHS4). Also called: Familial mesangial sclerosis; Nephrotic syndrome, early onset with diffuse mesangial sclerosis. Identifiers: Orphanet 656, MedGen C3151568, MONDO:0009733, OMIM 256370.
Mesothelioma, malignant (MESOM). Also called: Malignant mesothelioma (disease). Identifiers: Orphanet 50251, MedGen C0345967, MONDO:0006292, OMIM 156240, HP:0100001.

Allele frequency attached by ClinVar (database versions not stated): gnomAD exomes 0.00001 and 0.00002; gnomAD 0.00009 and 0.00011; TOPMed 0.00009.

Submissions (7):

PreventionGenetics, part of Exact Sciences
Classification: Uncertain significance for WT1-related condition. Last evaluated: 2026-08-14. Review status: criteria provided, single submitter. Criteria: ACMG Guidelines, 2015. Collection method: clinical testing. Allele origin: germline.
Comment: The WT1 c.328C>T variant is predicted to result in the amino acid substitution p.Pro110Ser. To our knowledge, this variant has not been reported in the literature. This variant is reported in 0.042% of alleles in individuals of African descent in gnomAD. At this time, the clinical significance of this variant is uncertain due to the absence of conclusive functional and genetic evidence.

Ambry Genetics
Classification: Likely benign for Inborn genetic diseases. Last evaluated: 2025-03-01. Review status: criteria provided, single submitter. Criteria: Ambry Variant Classification Scheme 2023. Collection method: clinical testing. Allele origin: germline.

All of Us Research Program, National Institutes of Health
Classification: Uncertain significance for Wilms tumor 1. Last evaluated: 2024-06-09. Review status: criteria provided, single submitter. Criteria: ACMG Guidelines, 2015. Collection method: clinical testing. Allele origin: germline. Inheritance: Autosomal dominant inheritance. Observed: 5 variant alleles, 5 heterozygotes.
Comment: This variant is located in the WT1 protein. Computational prediction suggests that this variant may not impact protein structure and function (internally defined REVEL score threshold <= 0.5, PMID: 27666373). To our knowledge, functional studies have not been reported for this variant. This variant has not been reported in individuals affected with WT1-related disorders in the literature. This variant has been identified in 5/114288 chromosomes in the general population by the Genome Aggregation Database (gnomAD). The available evidence is insufficient to determine the role of this variant in disease conclusively. Therefore, this variant is classified as a Variant of Uncertain Significance.

This study involves interpretation of variants in research participants for the purpose of population health screening. Participant phenotype was not available at the time of variant classification. Additional details can be found in publication PMID: 35346344, PMCID: PMC8962531

Labcorp Genetics (formerly Invitae), Labcorp
Classification: Uncertain significance for Wilms tumor 1; Drash syndrome; 11p partial monosomy syndrome; Frasier syndrome. Last evaluated: 2024-04-15. Review status: criteria provided, single submitter. Criteria: Invitae Variant Classification Sherloc (09022015). Collection method: clinical testing. Allele origin: germline.
Comment: This sequence change replaces proline, which is neutral and non-polar, with serine, which is neutral and polar, at codon 110 of the WT1 protein (p.Pro110Ser). The frequency data for this variant in the population databases is considered unreliable, as metrics indicate poor data quality at this position in the gnomAD database. This variant has not been reported in the literature in individuals affected with WT1-related conditions. ClinVar contains an entry for this variant (Variation ID: 406698). An algorithm developed to predict the effect of missense changes on protein structure and function (PolyPhen-2) suggests that this variant is likely to be tolerated. In summary, the available evidence is currently insufficient to determine the role of this variant in disease. Therefore, it has been classified as a Variant of Uncertain Significance.

Fulgent Genetics
Classification: Uncertain significance for Frasier syndrome; Mesothelioma, malignant; Wilms tumor 1; Drash syndrome; Nephrotic syndrome, type 4; Meacham syndrome. Last evaluated: 2024-04-03. Review status: criteria provided, single submitter. Criteria: ACMG Guidelines, 2015. Collection method: clinical testing. Allele origin: germline.

Baylor Genetics
Classification: Uncertain significance for Drash syndrome. Last evaluated: 2024-02-13. Review status: criteria provided, single submitter. Criteria: ACMG Guidelines, 2015. Collection method: clinical testing. Allele origin: unknown.

GeneDx
Classification: Uncertain significance. Last evaluated: 2023-11-08. Review status: criteria provided, single submitter. Criteria: GeneDx Variant Classification Process June 2021. Collection method: clinical testing. Allele origin: germline. Affected: yes.
Comment: In silico analysis supports that this missense variant does not alter protein structure/function; Has not been previously published as pathogenic or benign to our knowledge; This variant is associated with the following publications: (PMID: 8486616)